The following is an entry in ClinVar:

ClinVar aggregate classification (germline): Uncertain significance (1 of 4 stars; one submission).

Conditions:
Cardiovascular phenotype. Identifiers: MedGen CN230736.

Submission:

Ambry Genetics
Classification: Uncertain significance for Cardiovascular phenotype. Last evaluated: 2022-08-16. Review status: criteria provided, single submitter. Criteria: Ambry Variant Classification Scheme 2023. Collection method: clinical testing. Allele origin: germline.
Comment: The p.G863V variant (also known as c.2588G>T), located in coding exon 16 of the DSC2 gene, results from a G to T substitution at nucleotide position 2588. The glycine at codon 863 is replaced by valine, an amino acid with dissimilar properties. This amino acid position is conserved. In addition, the in silico prediction for this alteration is inconclusive. Since supporting evidence is limited at this time, the clinical significance of this alteration remains unclear.

NM_024422.6(DSC2):c.2588G>T (p.Gly863Val)

Gene: DSC2 (desmocollin 2; minus strand). Cytogenetic location: 18q12.1.
Variant type: single nucleotide variant.
Coding change: c.2588G>T on transcript NM_024422.6 (MANE Select); coding-DNA position 2588, G replaced by T.
Protein change: p.Gly863Val; replaces glycine 863 with valine.
Molecular consequence: missense variant. On other transcripts: 3 prime UTR variant (1).
Genome position (GRCh38, 1-based): chr18:31,068,133, C>A on the plus strand (G>T on the coding strand, the complement: DSC2 is on the minus strand). VCF-style: chr18-31068133-C-A. GRCh37 (hg19) VCF-style: chr18-28648099-C-A.
Other names: c.2159G>T, p.Gly720Val (NM_001406506.1); c.*90G>T (NM_001406507.1, NM_004949.5); short protein forms G863V, G720V.
Identifiers: ClinVar variation 1793451 (VCV001793451.2), dbSNP rs778423904, ClinGen allele CA402110517.